The following is an entry in ClinVar:

NM_000829.4(GRIA4):c.91G>A (p.Gly31Ser)

Gene: GRIA4 (glutamate ionotropic receptor AMPA type subunit 4; plus strand). Cytogenetic location: 11q22.3.
Variant type: single nucleotide variant.
Coding change: c.91G>A on transcript NM_000829.4 (MANE Select); coding-DNA position 91, G replaced by A.
Protein change: p.Gly31Ser; replaces glycine 31 with serine.
Molecular consequence: missense variant. On other transcripts: non-coding transcript variant (1).
Genome position (GRCh38, 1-based): chr11:105,612,278, G>A. VCF-style: chr11-105612278-G-A. GRCh37 (hg19) VCF-style: chr11-105483005-G-A.
Other names: c.91G>A, p.Gly31Ser (NM_001077243.3, NM_001077244.2, NM_001112812.2 and 20 more transcripts); short protein forms G31S.
Identifiers: ClinVar variation 4686403 (VCV004686403.2).

ClinVar aggregate classification (germline): Uncertain significance (1 of 4 stars; one submission).

Submission:

GeneDx
Classification: Uncertain significance. Last evaluated: 2026-04-02. Review status: criteria provided, single submitter. Criteria: GeneDx Variant Classification Process June 2021. Collection method: clinical testing. Allele origin: germline.
Comment: In silico analysis supports that this missense variant has a deleterious effect on protein structure/function; Has not been previously published as pathogenic or benign to our knowledge